The following is an entry in ClinVar:

NM_001166114.2(PNPLA6):c.879C>T (p.Ser293=)

Gene: PNPLA6 (patatin like domain 6, lysophospholipase; plus strand). Cytogenetic location: 19p13.2.
Variant type: single nucleotide variant.
Coding change: c.879C>T on transcript NM_001166114.2 (MANE Select); coding-DNA position 879, C replaced by T.
Protein change: p.Ser293=; no amino-acid change (serine 293 retained).
Molecular consequence: synonymous variant.
Genome position (GRCh38, 1-based): chr19:7,541,006, C>T. VCF-style: chr19-7541006-C-T. GRCh37 (hg19) VCF-style: chr19-7605892-C-T.
Other names: c.906C>T (NM_001166111.1); c.906C>T, p.Ser302= (NM_001166111.2); c.762C>T, p.Ser254= (NM_001166112.2, NM_001166113.1, NM_006702.5).
Identifiers: ClinVar variation 1111797 (VCV001111797.10), dbSNP rs766312635, ClinGen allele CA9139601.

ClinVar aggregate classification (germline): Likely benign. Review status: criteria provided, single submitter (1 of 4 stars). 2 submissions from 2 submitters: Likely benign (1). 1 of the submissions does not count toward it. Last evaluated 2025-11-18.

Conditions:
PNPLA6-related disorder. Also called: PNPLA6-related condition; PNPLA6-related disorders.
Hereditary spastic paraplegia 39 (SPG39). Also called: Spastic Paraplegia Type 39 (SPG39); SPASTIC PARAPLEGIA 39, AUTOSOMAL RECESSIVE. Identifiers: Orphanet 139480, MedGen C2677586, MONDO:0012787, OMIM 612020.

Allele frequency attached by ClinVar (database versions not stated): gnomAD exomes 0.00002; gnomAD 0.00002; TOPMed 0.00002; ExAC 0.00003.
gnomAD v4.1: 30 of 1,611,120 alleles (0.0019%); highest among the groups gnomAD compares: Middle Eastern, 0.017%; no homozygotes.

Submissions (2):

Labcorp Genetics (formerly Invitae), Labcorp
Classification: Likely benign for Hereditary spastic paraplegia 39. Last evaluated: 2025-11-18. Review status: criteria provided, single submitter. Criteria: Invitae Variant Classification Sherloc (09022015). Collection method: clinical testing. Allele origin: germline.

PreventionGenetics, part of Exact Sciences
Classification: Likely benign for PNPLA6-related condition. Last evaluated: 2019-08-20. Review status: no assertion criteria provided. Collection method: clinical testing. Allele origin: germline. Not counted in ClinVar's aggregate classification.
Comment: This variant is classified as likely benign based on ACMG/AMP sequence variant interpretation guidelines (Richards et al. 2015 PMID: 25741868, with internal and published modifications).